The following is an entry in ClinVar:

NM_001267550.2(TTN):c.83404A>G (p.Ile27802Val)

Genes: TTN (titin; minus strand), TTN-AS1 (TTN antisense RNA 1; plus strand). Cytogenetic location: 2q31.2.
Variant type: single nucleotide variant.
Coding change: c.83404A>G on transcript NM_001267550.2 (MANE Select); coding-DNA position 83404, A replaced by G.
Protein change: p.Ile27802Val; replaces isoleucine 27802 with valine.
Molecular consequence: missense variant.
Genome position (GRCh38, 1-based): chr2:178,562,728, T>C on the plus strand (A>G on the coding strand, the complement: TTN is on the minus strand). VCF-style: chr2-178562728-T-C. GRCh37 (hg19) VCF-style: chr2-179427455-T-C.
Other names: c.75700A>G, p.Ile25234Val (NM_133378.4); c.78481A>G, p.Ile26161Val (NM_001256850.1); c.56209A>G, p.Ile18737Val (NM_003319.4); c.56584A>G, p.Ile18862Val (NM_133432.3); c.56785A>G, p.Ile18929Val (NM_133437.4); short protein forms I25234V, I27802V, I18929V, I18862V, I18737V, I26161V.
Identifiers: ClinVar variation 179228 (VCV000179228.22), dbSNP rs727504723, ClinGen allele CA184003.

ClinVar aggregate classification (germline): Uncertain significance. Review status: criteria provided, multiple submitters, no conflicts (2 of 4 stars). 9 submissions from 9 submitters: Uncertain significance (6). 3 of the submissions do not count toward it. Last evaluated 2026-09-18.

Conditions:
TTN-related disorder. Also called: TTN-related condition; TTN-related disease; TTN-related disorders.
Dilated cardiomyopathy 1G (CMD1G). Identifiers: Orphanet 154, MedGen C1858763, MONDO:0011400, OMIM 604145.
Autosomal recessive limb-girdle muscular dystrophy type 2J (LGMDR10). Also called: Limb-girdle muscular dystrophy, type 2J; MUSCULAR DYSTROPHY, LIMB-GIRDLE, AUTOSOMAL RECESSIVE 10. Identifiers: Orphanet 140922, MedGen C1837342, MONDO:0012127, OMIM 608807.
Tibial muscular dystrophy (TMD). Also called: Udd Distal Myopathy – Tibial Muscular Dystrophy; UDD MYOPATHY; Tibial muscular dystrophy, tardive. Identifiers: Orphanet 609, MedGen C1838244, MONDO:0010870, OMIM 600334.
Myopathy, myofibrillar, 9, with early respiratory failure (MFM9). Also called: Hereditary myopathy with early respiratory failure; EDSTROM MYOPATHY; MYOPATHY, PROXIMAL, WITH EARLY RESPIRATORY MUSCLE INVOLVEMENT; Myopathy, distal, with early respiratory failure, autosomal dominant. Identifiers: Orphanet 178464, Orphanet 34521, MedGen C1863599, MONDO:0011362, OMIM 603689.
Hypertrophic cardiomyopathy 9. Also called: Familial hypertrophic cardiomyopathy 9. Identifiers: MedGen C1861065, MONDO:0013412, OMIM 613765.
Early-onset myopathy with fatal cardiomyopathy (CMYO5). Also called: CONGENITAL MYOPATHY 5 WITH CARDIOMYOPATHY; Salih Myopathy. Identifiers: Orphanet 289377, MedGen C2673677, MONDO:0012714, OMIM 611705. Disease mechanism: loss of function.

Allele frequency attached by ClinVar (database versions not stated): gnomAD exomes below 0.00001 and 0.00001; ExAC 0.00001; gnomAD 0.00001; TOPMed 0.00001.
gnomAD v4.1: 21 of 1,606,898 alleles (0.0013%); highest among the groups gnomAD compares: African/African-American, 0.0027%; no homozygotes.

Submissions (9):

PreventionGenetics, part of Exact Sciences
Classification: Uncertain significance for TTN-related condition. Last evaluated: 2026-09-18. Review status: criteria provided, single submitter. Criteria: ACMG Guidelines, 2015. Collection method: clinical testing. Allele origin: germline.
Comment: The TTN c.83404A>G variant is predicted to result in the amino acid substitution p.Ile27802Val. To our knowledge, this variant has not been reported in the literature. This variant is reported in 0.00090% of alleles in individuals of European (Non-Finnish) descent in gnomAD. At this time, the clinical significance of this variant is uncertain due to the absence of conclusive functional and genetic evidence.

Women's Health and Genetics/Laboratory Corporation of America, LabCorp
Classification: Uncertain significance. Last evaluated: 2023-01-09. Review status: criteria provided, single submitter. Criteria: LabCorp Variant Classification Summary - May 2015. Collection method: clinical testing. Allele origin: germline.

Fulgent Genetics
Classification: Uncertain significance for Tibial muscular dystrophy; Myopathy, myofibrillar, 9, with early respiratory failure; Dilated cardiomyopathy 1G; Autosomal recessive limb-girdle muscular dystrophy type 2J; Early-onset myopathy with fatal cardiomyopathy; Hypertrophic cardiomyopathy 9. Last evaluated: 2021-09-15. Review status: criteria provided, single submitter. Criteria: ACMG Guidelines, 2015. Collection method: clinical testing. Allele origin: unknown.

Revvity Omics, Revvity
Classification: Uncertain significance. Last evaluated: 2019-08-16. Review status: criteria provided, single submitter. Criteria: ACMG Guidelines, 2015. Collection method: clinical testing. Allele origin: germline.

Labcorp Genetics (formerly Invitae), Labcorp
Classification: Uncertain significance for Dilated cardiomyopathy 1G; Autosomal recessive limb-girdle muscular dystrophy type 2J. Last evaluated: 2017-12-12. Review status: criteria provided, single submitter. Criteria: Invitae Variant Classification Sherloc (09022015). Collection method: clinical testing. Allele origin: germline.

Laboratory for Molecular Medicine, Mass General Brigham Personalized Medicine
Classification: Uncertain significance. Last evaluated: 2013-09-06. Review status: criteria provided, single submitter. Criteria: LMM Criteria. Collection method: clinical testing. Allele origin: germline. Observed: 1 variant allele.
Comment: The Ile25234Val variant in TTN has not been reported in individuals with cardiom yopathy or in large population studies. Isoleucine (Ile) at position 25234 is co nserved in evolution; however, the variant amino acid (valine) is present in chi ckens suggesting the change may be tolerated. Other computational analyses (bioc hemical amino acid properties, AlignGVGD, PolyPhen2, and SIFT) do not provide st rong support for or against an impact to the protein. Additional information is needed to fully assess the clinical significance of the Ile25234Val variant.

Clinical Genetics DNA and cytogenetics Diagnostics Lab, Erasmus MC, Erasmus Medical Center
Classification: Uncertain significance. Review status: no assertion criteria provided. Collection method: clinical testing. Allele origin: germline. Affected: yes. Study: VKGL Data-share Consensus. Not counted in ClinVar's aggregate classification.

Clinical Genetics, Academic Medical Center
Classification: Uncertain significance. Review status: no assertion criteria provided. Collection method: clinical testing. Allele origin: germline. Affected: yes. Study: VKGL Data-share Consensus. Not counted in ClinVar's aggregate classification.

Genome Diagnostics Laboratory, Amsterdam University Medical Center
Classification: Uncertain significance. Review status: no assertion criteria provided. Collection method: clinical testing. Allele origin: germline. Affected: yes. Study: VKGL Data-share Consensus. Not counted in ClinVar's aggregate classification.